The following is an entry in ClinVar:

ClinVar aggregate classification (germline): Likely pathogenic. Review status: criteria provided, multiple submitters, no conflicts (2 of 4 stars). 3 submissions from 3 submitters: Likely pathogenic (3). Last evaluated 2026-06-03.

Conditions:
MKKS-related disorder. Also called: MKKS-related disorders; MKKS-related condition.
McKusick-Kaufman syndrome (MKKS). Also called: HYDROMETROCOLPOS SYNDROME; HYDROMETROCOLPOS, POSTAXIAL POLYDACTYLY, AND CONGENITAL HEART MALFORMATION. Identifiers: Orphanet 2473, MedGen C0948368, MONDO:0009367, OMIM 236700.
Bardet-Biedl syndrome 6 (BBS6). Identifiers: Orphanet 110, MedGen C1858054, MONDO:0011523, OMIM 605231.

Allele frequency attached by ClinVar (database versions not stated): gnomAD exomes below 0.00001.

Submissions (3):

PreventionGenetics, part of Exact Sciences
Classification: Likely pathogenic for MKKS-related condition. Last evaluated: 2026-06-03. Review status: criteria provided, single submitter. Criteria: ACMG Guidelines, 2015. Collection method: clinical testing. Allele origin: germline.
Comment: The MKKS c.348delC variant is predicted to result in a frameshift and premature protein termination (p.Ile117Leufs*3). To our knowledge, this variant has not been reported in the literature or in a large population database (gnomAD), indicating this variant is rare. Frameshift variants in MKKS are expected to be pathogenic. This variant is interpreted as likely pathogenic.

Fulgent Genetics
Classification: Likely pathogenic for McKusick-Kaufman syndrome; Bardet-Biedl syndrome 6. Last evaluated: 2024-05-15. Review status: criteria provided, single submitter. Criteria: ACMG Guidelines, 2015. Collection method: clinical testing. Allele origin: germline.

Baylor Genetics
Classification: Likely pathogenic for Bardet-Biedl syndrome 6. Last evaluated: 2023-11-20. Review status: criteria provided, single submitter. Criteria: ACMG Guidelines, 2015. Collection method: clinical testing. Allele origin: unknown.

NM_170784.3(MKKS):c.348del (p.Ile117fs)

Gene: MKKS (MKKS centrosomal shuttling protein; minus strand). Cytogenetic location: 20p12.2.
Variant type: Deletion.
Coding change: c.348del on transcript NM_170784.3 (MANE Select); coding-DNA position 348, one base deleted (C; older notation c.348delC).
Protein change: p.Ile117fs; shifts the reading frame from isoleucine 117.
Molecular consequence: frameshift variant.
Genome position (GRCh38, 1-based): chr20:10,413,167, G deleted on the plus strand (C on the coding strand, the reverse complement: MKKS is on the minus strand). VCF-style (leftmost placement, unchanged base first): chr20-10413166-TG-T. GRCh37 (hg19) VCF-style: chr20-10393814-TG-T.
Other names: c.348del, p.Ile117fs (NM_018848.3); c.348delC (NM_018848.3); short protein forms I117fs.
Identifiers: ClinVar variation 3241933 (VCV003241933.3), dbSNP rs2514497096.